The following is an entry in ClinVar:

NM_018238.4(AGK):c.1141_1142dup (p.Ser382fs)

Gene: AGK (acylglycerol kinase; plus strand). Cytogenetic location: 7q34.
Variant type: Duplication.
Coding change: c.1141_1142dup on transcript NM_018238.4 (MANE Select); coding-DNA positions 1141 to 1142, 2 bases duplicated (GG; older notation c.1141_1142dupGG).
Protein change: p.Ser382fs; shifts the reading frame from serine 382.
Molecular consequence: frameshift variant.
Genome position (GRCh38, 1-based): chr7:141,652,796-141,652,797, GG duplicated; duplicating any 2 consecutive bases within chr7:141,652,793-141,652,797 gives the same sequence; the c. name uses the placement nearest the transcript's 3' end. VCF-style (leftmost placement, unchanged base first): chr7-141652792-A-AGG. GRCh37 (hg19) VCF-style: chr7-141352592-A-AGG.
Other names: c.1141_1142dup, p.Ser382fs (LRG_1251t1); c.1141_1142dupGG (NM_018238.3); short protein forms S382fs.
Identifiers: ClinVar variation 524160 (VCV000524160.9), dbSNP rs1554405928, ClinGen allele CA658797021.
Genomic context (GRCh38, chr7:141,652,792, plus strand): 5'-ACTCCAGTAGGCCACTGATGTGTTTGAGCTGTTCTGAATATTCTCTTCTCCCCAGGGAGC[A>AGG]GGGGGCTCTTTTAGCATTGACAGTGAGGAGTATGAAGCGATGCCTGTGGAGGTGAAACTG-3'

ClinVar aggregate classification (germline): Pathogenic/Likely pathogenic. Review status: criteria provided, multiple submitters, no conflicts (2 of 4 stars). 2 submissions from 2 submitters: Pathogenic (1); Likely pathogenic (1). Last evaluated 2022-10-28.

Conditions:
Sengers syndrome. Also called: MITOCHONDRIAL DNA DEPLETION SYNDROME 10 (CARDIOMYOPATHIC TYPE); Cardiomyopathy and cataract. Identifiers: Orphanet 1369, MedGen C1859317, MONDO:0008922, OMIM 212350.
Cataract 38. Also called: Cataract 38, autosomal recessive; Cataract, autosomal recessive congenital 5. Identifiers: Orphanet 91492, MedGen C3553494, MONDO:0013859, OMIM 614691.

Submissions (2):

Labcorp Genetics (formerly Invitae), Labcorp
Classification: Pathogenic for Sengers syndrome; Cataract 38. Last evaluated: 2022-10-28. Review status: criteria provided, single submitter. Criteria: Invitae Variant Classification Sherloc (09022015). Collection method: clinical testing. Allele origin: germline.
Comment: This variant disrupts a region of the AGK protein in which other variant(s) (p.Tyr390Serfs*9) have been determined to be pathogenic (Invitae). This suggests that this is a clinically significant region of the protein, and that variants that disrupt it are likely to be disease-causing. For these reasons, this variant has been classified as Pathogenic. Algorithms developed to predict the effect of sequence changes on RNA splicing suggest that this variant may disrupt the consensus splice site. ClinVar contains an entry for this variant (Variation ID: 524160). This premature translational stop signal has been observed in individual(s) with clinical features of Sengers syndrome (Invitae). This variant is not present in population databases (gnomAD no frequency). This sequence change creates a premature translational stop signal (p.Ser382Alafs*17) in the AGK gene. While this is not anticipated to result in nonsense mediated decay, it is expected to disrupt the last 41 amino acid(s) of the AGK protein.

GeneDx
Classification: Likely pathogenic. Last evaluated: 2018-05-02. Review status: criteria provided, single submitter. Criteria: GeneDx Variant Classification (06012015). Collection method: clinical testing. Allele origin: germline. Affected: yes.
Comment: The c.1141_1142dupGG variant in the AGK gene has not been reported previously as a pathogenic variant nor as a benign variant, to our knowledge. The c.1141_1142dupGG variant causes a frameshift starting with codon Serine 382, changes this amino acid to a Alanine residue, and creates a premature Stop codon at position 17 of the new reading frame, denoted p.Ser382AlafsX17. This variant is predicted to cause loss of normal protein function through protein truncation. The c.1141_1142dupGG variant is not observed in large population cohorts (Lek et al., 2016). We interpret c.1141_1142dupGG as a likely pathogenic variant.